The following is an entry in ClinVar:

ClinVar aggregate classification (germline): Likely benign. Review status: criteria provided, multiple submitters, no conflicts (2 of 4 stars). 2 submissions from 2 submitters: Likely benign (2). Last evaluated 2026-02-01.

Allele frequency attached by ClinVar (database versions not stated): gnomAD exomes below 0.00001; ExAC 0.00001; gnomAD 0.00001; TOPMed 0.00001.
gnomAD v4.1: 4 of 1,613,674 alleles (0.00025%); highest among the groups gnomAD compares: Non-Finnish European, 0.00034%; no homozygotes.

Submissions (2):

CeGaT Center for Human Genetics Tuebingen
Classification: Likely benign. Last evaluated: 2026-02-01. Review status: criteria provided, single submitter. Criteria: CeGaT Center For Human Genetics Tuebingen Variant Classification Criteria Version 2. Collection method: clinical testing. Allele origin: germline. Affected: yes. Observed: 1 variant allele.
Comment: ADGRV1: BP4, BP7

Labcorp Genetics (formerly Invitae), Labcorp
Classification: Likely benign. Last evaluated: 2026-01-06. Review status: criteria provided, single submitter. Criteria: Invitae Variant Classification Sherloc (09022015). Collection method: clinical testing. Allele origin: germline.

NM_032119.4(ADGRV1):c.9306C>T (p.Tyr3102=)

Gene: ADGRV1 (adhesion G protein-coupled receptor V1; plus strand). Cytogenetic location: 5q14.3.
Variant type: single nucleotide variant.
Coding change: c.9306C>T on transcript NM_032119.4 (MANE Select); coding-DNA position 9306, C replaced by T.
Protein change: p.Tyr3102=; no amino-acid change (tyrosine 3102 retained).
Molecular consequence: synonymous variant. On other transcripts: non-coding transcript variant (1).
Genome position (GRCh38, 1-based): chr5:90,716,588, C>T. VCF-style: chr5-90716588-C-T. GRCh37 (hg19) VCF-style: chr5-90012405-C-T.
Identifiers: ClinVar variation 2974566 (VCV002974566.7), dbSNP rs759408291, ClinGen allele CA3340478.